The following is an entry in ClinVar:

ClinVar aggregate classification (germline): Uncertain significance. Review status: criteria provided, multiple submitters, no conflicts (2 of 4 stars). 2 submissions from 2 submitters: Uncertain significance (2). Last evaluated 2026-02-13.

Conditions:
Hereditary cancer-predisposing syndrome. Also called: Hereditary Cancer Syndrome; Neoplastic Syndromes, Hereditary; Tumor predisposition; Hereditary neoplastic syndrome. Identifiers: Orphanet 140162, MedGen C0027672, MeSH D009386, MONDO:0015356.

Submissions (2):

Ambry Genetics
Classification: Uncertain significance for Hereditary cancer-predisposing syndrome. Last evaluated: 2026-02-13. Review status: criteria provided, single submitter. Criteria: Ambry Variant Classification Scheme 2023. Collection method: clinical testing. Allele origin: germline.
Comment: The p.T361A variant (also known as c.1081A>G), located in coding exon 11 of the POLE gene, results from an A to G substitution at nucleotide position 1081. The threonine at codon 361 is replaced by alanine, an amino acid with similar properties. This amino acid position is highly conserved in available vertebrate species. In addition, the in silico prediction for this alteration is inconclusive. Based on the available evidence, the clinical significance of this variant remains unclear.

Labcorp Genetics (formerly Invitae), Labcorp
Classification: Uncertain significance. Last evaluated: 2024-03-24. Review status: criteria provided, single submitter. Criteria: Invitae Variant Classification Sherloc (09022015). Collection method: clinical testing. Allele origin: germline.
Comment: This sequence change replaces threonine, which is neutral and polar, with alanine, which is neutral and non-polar, at codon 361 of the POLE protein (p.Thr361Ala). This variant is not present in population databases (gnomAD no frequency). This variant has not been reported in the literature in individuals affected with POLE-related conditions. Advanced modeling of protein sequence and biophysical properties (such as structural, functional, and spatial information, amino acid conservation, physicochemical variation, residue mobility, and thermodynamic stability) performed at Invitae indicates that this missense variant is expected to disrupt POLE protein function with a positive predictive value of 80%. In summary, the available evidence is currently insufficient to determine the role of this variant in disease. Therefore, it has been classified as a Variant of Uncertain Significance.

NM_006231.4(POLE):c.1081A>G (p.Thr361Ala)

Gene: POLE (DNA polymerase epsilon, catalytic subunit; minus strand). Cytogenetic location: 12q24.33.
Variant type: single nucleotide variant.
Coding change: c.1081A>G on transcript NM_006231.4 (MANE Select); coding-DNA position 1081, A replaced by G.
Protein change: p.Thr361Ala; replaces threonine 361 with alanine.
Molecular consequence: missense variant.
Genome position (GRCh38, 1-based): chr12:132,675,760, T>C on the plus strand (A>G on the coding strand, the complement: POLE is on the minus strand). VCF-style: chr12-132675760-T-C. GRCh37 (hg19) VCF-style: chr12-133252346-T-C.
Other names: c.1081A>G (NM_006231.2); short protein forms T361A.
Identifiers: ClinVar variation 3647408 (VCV003647408.3).